The following is an entry in ClinVar:

NM_001288705.3(CSF1R):c.730-5T>G

Gene: CSF1R (colony stimulating factor 1 receptor; minus strand). Cytogenetic location: 5q32.
Variant type: single nucleotide variant.
Coding change: c.730-5T>G on transcript NM_001288705.3 (MANE Select); 5 bases into the intron before coding-DNA position 730, T replaced by G.
Molecular consequence: intron variant.
Genome position (GRCh38, 1-based): chr5:150,077,440, A>C on the plus strand (T>G on the coding strand, the complement: CSF1R is on the minus strand). VCF-style: chr5-150077440-A-C. GRCh37 (hg19) VCF-style: chr5-149457003-A-C.
Other names: c.286-5T>G (NM_001375321.1); c.730-5T>G (NM_005211.4, NM_001375320.1, NM_001349736.2).
Identifiers: ClinVar variation 1477574 (VCV001477574.8), dbSNP rs2113825035, ClinGen allele CA2573139289.

ClinVar aggregate classification (germline): Uncertain significance (1 of 4 stars; one submission).

Submission:

Labcorp Genetics (formerly Invitae), Labcorp
Classification: Uncertain significance. Last evaluated: 2022-02-24. Review status: criteria provided, single submitter. Criteria: Invitae Variant Classification Sherloc (09022015). Collection method: clinical testing. Allele origin: germline.
Comment: In summary, the available evidence is currently insufficient to determine the role of this variant in disease. Therefore, it has been classified as a Variant of Uncertain Significance. Algorithms developed to predict the effect of sequence changes on RNA splicing suggest that this variant may disrupt the consensus splice site. This variant has not been reported in the literature in individuals affected with CSF1R-related conditions. This variant is not present in population databases (gnomAD no frequency). This sequence change falls in intron 5 of the CSF1R gene. It does not directly change the encoded amino acid sequence of the CSF1R protein.